The following is an entry in ClinVar:

NM_000051.4(ATM):c.1914del (p.Asp639fs)

Gene: ATM (ATM serine/threonine kinase; plus strand). Cytogenetic location: 11q22.3.
Variant type: Deletion.
Coding change: c.1914del on transcript NM_000051.4 (MANE Select); coding-DNA position 1914, one base deleted (A; older notation c.1914delA).
Protein change: p.Asp639fs; shifts the reading frame from aspartic acid 639.
Molecular consequence: frameshift variant.
Genome position (GRCh38, 1-based): chr11:108,253,829, A deleted; the last of 5 consecutive A bases (chr11:108,253,825-108,253,829); deleting any one gives the same sequence. VCF-style (leftmost placement, unchanged base first): chr11-108253824-CA-C. GRCh37 (hg19) VCF-style: chr11-108124551-CA-C.
Other names: c.1914del, p.Asp639fs (NM_001351834.2); short protein forms D639fs.
Identifiers: ClinVar variation 1454146 (VCV001454146.6), dbSNP rs2080292910, ClinGen allele CA2573146757.
Genomic context (GRCh38, chr11:108,253,824, plus strand): 5'-CAAAGCATTAGGTACTTGGTTTATATATTAAAGATCTTACTTTCTTGAAGTGAACACCAC[CA>C]AAAAGATAAAGAAGAACTTTCATTCTCAGAAGTAGAAGAACTATTTCTTCAGACAACTTT-3'

ClinVar aggregate classification (germline): Pathogenic (1 of 4 stars; one submission).

Conditions:
Ataxia-telangiectasia syndrome (AT). Also called: Ataxia-telangiectasia, complementation group E; LOUIS-BAR SYNDROME; Ataxia-telangiectasia, complementation group D; AT, COMPLEMENTATION GROUP C; Ataxia-telangiectasia; Cerebello-oculocutaneous telangiectasia. Identifiers: Orphanet 100, MedGen C0004135, MONDO:0008840, OMIM 208900.

Submission:

Labcorp Genetics (formerly Invitae), Labcorp
Classification: Pathogenic for Ataxia-telangiectasia syndrome. Last evaluated: 2021-08-19. Review status: criteria provided, single submitter. Criteria: Invitae Variant Classification Sherloc (09022015). Collection method: clinical testing. Allele origin: germline.
Comment: For these reasons, this variant has been classified as Pathogenic. This variant is also known as c.1910delA. This premature translational stop signal has been observed in individual(s) with prostate cancer (PMID: 32832836). This variant is not present in population databases (ExAC no frequency). This sequence change creates a premature translational stop signal (p.Asp639Ilefs*10) in the ATM gene. It is expected to result in an absent or disrupted protein product. Loss-of-function variants in ATM are known to be pathogenic (PMID: 23807571, 25614872).

Literature cited by the submitters: PubMed 32832836; PubMed 23807571; PubMed 25614872.